The following is an entry in ClinVar:

ClinVar aggregate classification (germline): Uncertain significance (1 of 4 stars; one submission).

Allele frequency attached by ClinVar (database versions not stated): gnomAD 0.00001; gnomAD exomes 0.00001 and 0.00005; ExAC 0.00003; TOPMed 0.00003.
gnomAD v4.1: 12 of 1,613,286 alleles (0.00074%); highest among the groups gnomAD compares: East Asian, 0.027%; no homozygotes.

Submission:

Labcorp Genetics (formerly Invitae), Labcorp
Classification: Uncertain significance. Last evaluated: 2025-03-31. Review status: criteria provided, single submitter. Criteria: Invitae Variant Classification Sherloc (09022015). Collection method: clinical testing. Allele origin: germline.
Comment: This sequence change replaces alanine, which is neutral and non-polar, with serine, which is neutral and polar, at codon 490 of the KIZ protein (p.Ala490Ser). This variant is present in population databases (rs759661534, gnomAD 0.06%). This variant has not been reported in the literature in individuals affected with KIZ-related conditions. ClinVar contains an entry for this variant (Variation ID: 1384491). Experimental studies and prediction algorithms are not available or were not evaluated, and the functional significance of this variant is currently unknown. In summary, the available evidence is currently insufficient to determine the role of this variant in disease. Therefore, it has been classified as a Variant of Uncertain Significance.

NM_018474.6(KIZ):c.1468G>T (p.Ala490Ser)

Genes: KIZ (kizuna centrosomal protein; plus strand), KIZ-AS1 (KIZ antisense RNA 1; minus strand). Cytogenetic location: 20p11.23.
Variant type: single nucleotide variant.
Coding change: c.1468G>T on transcript NM_018474.6 (MANE Select); coding-DNA position 1468, G replaced by T.
Protein change: p.Ala490Ser; replaces alanine 490 with serine.
Molecular consequence: missense variant.
Genome position (GRCh38, 1-based): chr20:21,214,556, G>T. VCF-style: chr20-21214556-G-T. GRCh37 (hg19) VCF-style: chr20-21195194-G-T.
Other names: c.1159G>T, p.Ala387Ser (NM_001163022.3); c.1069G>T, p.Ala357Ser (NM_001163023.3); c.1321G>T, p.Ala441Ser (NM_001276389.2); c.1414G>T, p.Ala472Ser (NM_001352434.2); c.1105G>T, p.Ala369Ser (NM_001352435.2); c.1126G>T, p.Ala376Ser (NM_001352436.2); short protein forms A357S, A376S, A472S, A387S, A441S, A490S, A369S.
Identifiers: ClinVar variation 1384491 (VCV001384491.6), dbSNP rs759661534, ClinGen allele CA9784884.